The following is an entry in ClinVar:

NM_000297.4(PKD2):c.1087G>T (p.Gly363Ter)

Gene: PKD2 (polycystin 2, transient receptor potential cation channel; plus strand). Cytogenetic location: 4q22.1.
Variant type: single nucleotide variant.
Coding change: c.1087G>T on transcript NM_000297.4 (MANE Select); coding-DNA position 1087, G replaced by T.
Protein change: p.Gly363Ter; replaces glycine 363 with a stop codon.
Molecular consequence: nonsense. On other transcripts: non-coding transcript variant (1).
Genome position (GRCh38, 1-based): chr4:88,038,494, G>T. VCF-style: chr4-88038494-G-T. GRCh37 (hg19) VCF-style: chr4-88959646-G-T.
Other names: short protein forms G363*.
Identifiers: ClinVar variation 2506720 (VCV002506720.3), dbSNP rs2475901958, ClinGen allele CA357633299.

ClinVar aggregate classification (germline): Pathogenic. Review status: criteria provided, multiple submitters, no conflicts (2 of 4 stars). 3 submissions from 3 submitters: Pathogenic (3). Last evaluated 2024-09-17.

Conditions:
Inborn genetic diseases. Identifiers: MedGen C0950123, MeSH D030342.
Polycystic kidney disease 2 (PKD2). Also called: Polycystic Kidney Disease 2, Autosomal Dominant; POLYCYSTIC KIDNEY DISEASE, ADULT, TYPE II; POLYCYSTIC KIDNEY DISEASE 2 WITH OR WITHOUT POLYCYSTIC LIVER DISEASE. Identifiers: MedGen C2751306, MONDO:0013131, OMIM 613095.

Submissions (3):

Ambry Genetics
Classification: Pathogenic for Inborn genetic diseases. Last evaluated: 2024-09-17. Review status: criteria provided, single submitter. Criteria: Ambry Variant Classification Scheme 2023. Collection method: clinical testing. Allele origin: germline.
Comment: The c.1087G>T (p.G363*) alteration, located in exon 4 (coding exon 4) of the PKD2 gene, consists of a G to T substitution at nucleotide position 1087. This changes the amino acid from a glycine (G) to a stop codon at amino acid position 363. This alteration is expected to result in loss of function by premature protein truncation or nonsense-mediated mRNA decay. This variant was not reported in population-based cohorts in the Genome Aggregation Database (gnomAD). Based on the available evidence, this alteration is classified as pathogenic.

Fulgent Genetics
Classification: Pathogenic for Polycystic kidney disease 2. Last evaluated: 2024-01-02. Review status: criteria provided, single submitter. Criteria: ACMG Guidelines, 2015. Collection method: clinical testing. Allele origin: germline.

GeneDx
Classification: Pathogenic. Last evaluated: 2022-12-22. Review status: criteria provided, single submitter. Criteria: GeneDx Variant Classification Process June 2021. Collection method: clinical testing. Allele origin: germline. Affected: yes.
Comment: Nonsense variant predicted to result in protein truncation or nonsense mediated decay in a gene for which loss of function is a known mechanism of disease; Not observed at significant frequency in large population cohorts (gnomAD); Has not been previously published as pathogenic or benign to our knowledge